The following is an entry in ClinVar:

ClinVar aggregate classification (germline): Pathogenic. Review status: reviewed by expert panel (3 of 4 stars). 7 submissions from 7 submitters: Pathogenic (1). 6 of the submissions do not count toward it. Last evaluated 2016-09-08.

Conditions:
Hereditary cancer-predisposing syndrome. Also called: Tumor predisposition; Neoplastic Syndromes, Hereditary; Hereditary Cancer Syndrome; Hereditary neoplastic syndrome. Identifiers: Orphanet 140162, MedGen C0027672, MeSH D009386, MONDO:0015356.
Hereditary breast ovarian cancer syndrome. Also called: Hereditary breast and ovarian cancer syndrome (HBOC); Hereditary breast and ovarian cancer syndrome; Hereditary breast and ovarian cancer; Hereditary breast and/or ovarian cancer syndrome; Breast and ovarian cancer; BRCA1- and BRCA2-Associated Hereditary Breast and Ovarian Cancer. Identifiers: Orphanet 145, MedGen C0677776, MeSH D061325, MONDO:0003582. Disease mechanism: loss of function.
Breast-ovarian cancer, familial, susceptibility to, 1 (BROVCA1). Also called: OVARIAN CANCER, SUSCEPTIBILITY TO; BRCA1 Hereditary Breast and Ovarian Cancer. Identifiers: Orphanet 145, MedGen C2676676, MONDO:0011450, OMIM 604370. Disease mechanism: loss of function.
Familial cancer of breast. Also called: Hereditary breast cancer; hereditary breast carcinoma; BREAST CANCER, FAMILIAL. Identifiers: Orphanet 227535, MedGen C0346153, MONDO:0016419, OMIM 114480. Disease mechanism: loss of function.

Submissions (7):

Evidence-based Network for the Interpretation of Germline Mutant Alleles (ENIGMA)
Classification: Pathogenic for Breast-ovarian cancer, familial, susceptibility to, 1. Last evaluated: 2016-09-08. Review status: reviewed by expert panel. Criteria: ENIGMA BRCA1/2 Classification Criteria (2015). Collection method: curation. Allele origin: germline.
Comment: Variant allele predicted to encode a truncated non-functional protein.

Labcorp Genetics (formerly Invitae), Labcorp
Classification: Pathogenic for Hereditary breast ovarian cancer syndrome. Last evaluated: 2026-01-10. Review status: criteria provided, single submitter. Criteria: Invitae Variant Classification Sherloc (09022015). Collection method: clinical testing. Allele origin: germline. Not counted in ClinVar's aggregate classification.
Comment: This sequence change creates a premature translational stop signal (p.Met751Ilefs*10) in the BRCA1 gene. It is expected to result in an absent or disrupted protein product. Loss-of-function variants in BRCA1 are known to be pathogenic (PMID: 20104584). This variant is not present in population databases (gnomAD no frequency). This premature translational stop signal has been observed in individual(s) with breast cancer and/or ovarian cancer (PMID: 10874312, 22333603, 30078507). This variant is also known as 2371-2372delTG. ClinVar contains an entry for this variant (Variation ID: 54515). For these reasons, this variant has been classified as Pathogenic.

Ambry Genetics
Classification: Pathogenic for Hereditary cancer-predisposing syndrome. Last evaluated: 2024-08-13. Review status: criteria provided, single submitter. Criteria: Ambry Variant Classification Scheme 2023. Collection method: clinical testing. Allele origin: germline. Not counted in ClinVar's aggregate classification.
Comment: The c.2253_2254delGT pathogenic mutation, located in coding exon 9 of the BRCA1 gene, results from a deletion of two nucleotides at nucleotide positions 2253 to 2254, causing a translational frameshift with a predicted alternate stop codon (p.M751Ifs*10). This variant is considered to be rare based on population cohorts in the Genome Aggregation Database (gnomAD). This alteration is expected to result in loss of function by premature protein truncation or nonsense-mediated mRNA decay. As such, this alteration is interpreted as a disease-causing mutation.

Baylor Genetics
Classification: Pathogenic for Breast-ovarian cancer, familial, susceptibility to, 1. Last evaluated: 2021-12-13. Review status: criteria provided, single submitter. Criteria: ACMG Guidelines, 2015. Collection method: clinical testing. Allele origin: unknown. Not counted in ClinVar's aggregate classification.

Consortium of Investigators of Modifiers of BRCA1/2 (CIMBA), c/o University of Cambridge
Classification: Pathogenic for Breast-ovarian cancer, familial, susceptibility to, 1. Last evaluated: 2015-10-02. Review status: criteria provided, single submitter. Criteria: CIMBA Mutation Classification guidelines May 2016. Collection method: clinical testing. Allele origin: germline. Not counted in ClinVar's aggregate classification.

Breast Cancer Information Core (BIC) (BRCA1)
Classification: Pathogenic for Breast-ovarian cancer, familial 1. Last evaluated: 2004-11-25. Review status: no assertion criteria provided. Collection method: clinical testing. Allele origin: germline. Affected: yes. Observed: 1 variant allele. Not counted in ClinVar's aggregate classification.

Center for Precision Medicine, Meizhou People's Hospital
Classification: Pathogenic for Familial cancer of breast. Review status: no assertion criteria provided. Collection method: literature only. Allele origin: germline. Affected: yes. Not counted in ClinVar's aggregate classification.

Literature cited by the submitters: PubMed 20104584 (cited by Labcorp Genetics (formerly Invitae), Labcorp); PubMed 10874312 (cited by Labcorp Genetics (formerly Invitae), Labcorp); PubMed 22333603 (cited by Labcorp Genetics (formerly Invitae), Labcorp); PubMed 30078507 (cited by Labcorp Genetics (formerly Invitae), Labcorp); PubMed 29446198 (cited by Center for Precision Medicine, Meizhou People's Hospital); PubMed 30702160 (cited by Center for Precision Medicine, Meizhou People's Hospital).

NM_007294.4(BRCA1):c.2253_2254del (p.Met751fs)

Gene: BRCA1 (BRCA1 DNA repair associated; minus strand). Cytogenetic location: 17q21.31.
Variant type: Deletion.
Coding change: c.2253_2254del on transcript NM_007294.4 (MANE Select); coding-DNA positions 2253 to 2254, 2 bases deleted (GT; older notation c.2253_2254delGT).
Protein change: p.Met751fs; shifts the reading frame from methionine 751.
Molecular consequence: frameshift variant. On other transcripts: intron variant (137).
Genome position (GRCh38, 1-based): chr17:43,093,277-43,093,278, AC deleted on the plus strand (GT on the coding strand, the reverse complement: BRCA1 is on the minus strand); deleting any 2 consecutive bases within chr17:43,093,277-43,093,279 gives the same sequence; the c. name uses the placement nearest the transcript's 3' end. VCF-style (leftmost placement, unchanged base first): chr17-43093276-AAC-A. GRCh37 (hg19) VCF-style: chr17-41245293-AAC-A.
Other names: 2372delGT; c.2253_2254delGT (NM_007294.3); c.1989_1990del, p.Met663fs (NM_001407923.1, NM_001407924.1, NM_001407925.1 and 9 more transcripts); c.1986_1987del, p.Met662fs (NM_001407930.1, NM_001407931.1, NM_001407932.1 and 2 more transcripts); c.2130_2131del, p.Met710fs (NM_001407937.1, NM_001407938.1, NM_001407939.1 and 19 more transcripts); c.2127_2128del, p.Met709fs (NM_001407940.1, NM_001407941.1, NM_001407649.1 and 11 more transcripts); c.2112_2113del, p.Met704fs (NM_001407942.1, NM_001407944.1, NM_001407945.1 and 29 more transcripts); c.2109_2110del, p.Met703fs (NM_001407943.1, NM_001407964.1, NM_001407740.1 and 20 more transcripts); and 43 more; short protein forms M751fs, M704fs, M455fs, M583fs, M639fs, M640fs, M662fs, M683fs.
Identifiers: ClinVar variation 54515 (VCV000054515.14), dbSNP rs80357602, ClinGen allele CA001509.